The following is an entry in ClinVar:

NM_001148.6(ANK2):c.2277+121T>C

Gene: ANK2 (ankyrin 2; plus strand). Cytogenetic location: 4q26.
Variant type: single nucleotide variant.
Coding change: c.2277+121T>C on transcript NM_001148.6 (MANE Select); 121 bases into the intron after coding-DNA position 2277, T replaced by C.
Molecular consequence: intron variant.
Genome position (GRCh38, 1-based): chr4:113,288,607, T>C. VCF-style: chr4-113288607-T-C. GRCh37 (hg19) VCF-style: chr4-114209763-T-C.
Other names: c.2265+121T>C (NM_001386186.2, NM_001386148.2); c.2067+121T>C (NM_001354269.3); c.2241+121T>C (NM_001386187.2); c.2235+121T>C (NM_001386147.1, NM_001386160.1, NM_001354261.2); c.2214+121T>C (NM_001354254.2, NM_001354239.2, NM_001354252.2 and 10 more transcripts); c.2115+121T>C (NM_001354253.2, NM_001354270.2, NM_001354257.2 and 1 more transcripts); c.2190+121T>C (NM_001354249.2, NM_001354266.2, NM_001354276.2 and 10 more transcripts); c.2091+121T>C (NM_001386151.1, NM_001354260.2, NM_001354271.2); and 8 more.
Identifiers: ClinVar variation 671955 (VCV000671955.2), dbSNP rs29355, ClinGen allele CA16197201.

ClinVar aggregate classification (germline): Benign. Review status: criteria provided, multiple submitters, no conflicts (2 of 4 stars). 2 submissions from 2 submitters: Benign (2). Last evaluated 2018-06-14.

Allele frequency attached by ClinVar (database versions not stated): TOPMed 0.11525; 1000 Genomes Project 0.11542; 1000 Genomes Project 30x 0.11571; gnomAD exomes 0.11635; gnomAD 0.11925 and 0.12025.
gnomAD v4.1: 95,125 of 814,542 alleles (12%); highest among the groups gnomAD compares: African/African-American, 13%; 5,703 homozygotes.

Submissions (2):

GeneDx
Classification: Benign. Last evaluated: 2018-06-14. Review status: criteria provided, single submitter. Criteria: GeneDx Variant Classification (06012015). Collection method: clinical testing. Allele origin: germline. Affected: yes.
Comment: This variant is considered likely benign or benign based on one or more of the following criteria: it is a conservative change, it occurs at a poorly conserved position in the protein, it is predicted to be benign by multiple in silico algorithms, and/or has population frequency not consistent with disease.

Breakthrough Genomics
Classification: Benign. Review status: criteria provided, single submitter. Criteria: ACMG Guidelines, 2015. Collection method: not provided. Allele origin: germline. Inheritance: Autosomal dominant inheritance. Affected: yes.